The following is an entry in ClinVar:

NM_000179.3(MSH6):c.2848A>G (p.Ser950Gly)

Gene: MSH6 (mutS homolog 6; plus strand). Cytogenetic location: 2p16.3.
Variant type: single nucleotide variant.
Coding change: c.2848A>G on transcript NM_000179.3 (MANE Select); coding-DNA position 2848, A replaced by G.
Protein change: p.Ser950Gly; replaces serine 950 with glycine.
Molecular consequence: missense variant. On other transcripts: non-coding transcript variant (5), intron variant (2).
Genome position (GRCh38, 1-based): chr2:47,800,831, A>G. VCF-style: chr2-47800831-A-G. GRCh37 (hg19) VCF-style: chr2-48027970-A-G.
Other names: c.2848A>G, p.Ser950Gly (NM_001406809.1, NM_001406796.1, NM_001406798.1 and 2 more transcripts); c.1942A>G, p.Ser648Gly (NM_001406811.1, NM_001406812.1, NM_001406815.1 and 6 more transcripts); c.2854A>G, p.Ser952Gly (NM_001406813.1); c.2551A>G, p.Ser851Gly (NM_001406821.1, NM_001406818.1, NM_001406819.1 and 10 more transcripts); c.2308+540A>G (NM_001406803.1); c.2680A>G, p.Ser894Gly (NM_001406826.1); c.2458A>G, p.Ser820Gly (NM_001281492.2); c.2944A>G, p.Ser982Gly (NM_001406795.1, NM_001406802.1); and 4 more; short protein forms S265G, S851G, S894G, S924G, S775G, S950G, S952G, S648G.
Identifiers: ClinVar variation 3633960 (VCV003633960.3).

ClinVar aggregate classification (germline): Uncertain significance. Review status: criteria provided, multiple submitters, no conflicts (2 of 4 stars). 2 submissions from 2 submitters: Uncertain significance (2). Last evaluated 2025-06-03.

Conditions:
Hereditary nonpolyposis colorectal neoplasms. Identifiers: MedGen C0009405, MeSH D003123.
Hereditary cancer-predisposing syndrome. Also called: Neoplastic Syndromes, Hereditary; Tumor predisposition; Hereditary Cancer Syndrome; Hereditary neoplastic syndrome. Identifiers: Orphanet 140162, MedGen C0027672, MeSH D009386, MONDO:0015356.

Submissions (2):

Color Diagnostics, LLC DBA Color Health
Classification: Uncertain significance for Hereditary cancer-predisposing syndrome. Last evaluated: 2025-06-03. Review status: criteria provided, single submitter. Criteria: ACMG Guidelines, 2015. Collection method: clinical testing. Allele origin: germline.
Comment: This missense variant replaces serine with glycine at codon 950 of the MSH6 protein. Computational prediction suggests that this variant may not impact protein structure and function. To our knowledge, functional studies have not been reported for this variant. This variant has not been reported in individuals affected with MSH6-related disorders in the literature. This variant has not been identified in the general population by the Genome Aggregation Database (gnomAD). The available evidence is insufficient to determine the role of this variant in disease conclusively. Therefore, this variant is classified as a Variant of Uncertain Significance.

Labcorp Genetics (formerly Invitae), Labcorp
Classification: Uncertain significance for Hereditary nonpolyposis colorectal neoplasms. Last evaluated: 2024-10-27. Review status: criteria provided, single submitter. Criteria: Invitae Variant Classification Sherloc (09022015). Collection method: clinical testing. Allele origin: germline.
Comment: This sequence change replaces serine, which is neutral and polar, with glycine, which is neutral and non-polar, at codon 950 of the MSH6 protein (p.Ser950Gly). This variant is not present in population databases (gnomAD no frequency). This variant has not been reported in the literature in individuals affected with MSH6-related conditions. Invitae Evidence Modeling of protein sequence and biophysical properties (such as structural, functional, and spatial information, amino acid conservation, physicochemical variation, residue mobility, and thermodynamic stability) indicates that this missense variant is not expected to disrupt MSH6 protein function with a negative predictive value of 95%. In summary, the available evidence is currently insufficient to determine the role of this variant in disease. Therefore, it has been classified as a Variant of Uncertain Significance.